The following is an entry in ClinVar:

ClinVar aggregate classification (germline): Conflicting classifications of pathogenicity. Review status: criteria provided, conflicting classifications (1 of 4 stars). 3 submissions from 3 submitters: Likely pathogenic (1); Uncertain significance (2). Last evaluated 2025-08-14.

Conditions:
CNGA3-related disorders.
Inborn genetic diseases. Identifiers: MedGen C0950123, MeSH D030342.

Allele frequency attached by ClinVar (database versions not stated): gnomAD 0.00005; TOPMed 0.00009.
gnomAD v4.1: 50 of 1,614,026 alleles (0.0031%); highest among the groups gnomAD compares: African/African-American, 0.017%; no homozygotes.

Submissions (3):

Ambry Genetics
Classification: Uncertain significance for Inborn genetic diseases. Last evaluated: 2025-08-14. Review status: criteria provided, single submitter. Criteria: Ambry Variant Classification Scheme 2023. Collection method: clinical testing. Allele origin: germline.

Labcorp Genetics (formerly Invitae), Labcorp
Classification: Uncertain significance. Last evaluated: 2024-10-24. Review status: criteria provided, single submitter. Criteria: Invitae Variant Classification Sherloc (09022015). Collection method: clinical testing. Allele origin: germline.
Comment: This sequence change replaces aspartic acid, which is acidic and polar, with asparagine, which is neutral and polar, at codon 583 of the CNGA3 protein (p.Asp583Asn). The frequency data for this variant in the population databases is considered unreliable, as metrics indicate poor data quality at this position in the gnomAD database. This variant has not been reported in the literature in individuals affected with CNGA3-related conditions. ClinVar contains an entry for this variant (Variation ID: 1484517). Invitae Evidence Modeling of protein sequence and biophysical properties (such as structural, functional, and spatial information, amino acid conservation, physicochemical variation, residue mobility, and thermodynamic stability) has been performed for this missense variant. However, the output from this modeling did not meet the statistical confidence thresholds required to predict the impact of this variant on CNGA3 protein function. In summary, the available evidence is currently insufficient to determine the role of this variant in disease. Therefore, it has been classified as a Variant of Uncertain Significance.

Blueprint Genetics
Classification: Likely pathogenic for CNGA3-related disorders. Last evaluated: 2024-10-08. Review status: criteria provided, single submitter. Criteria: ACMG Guidelines, 2015. Collection method: clinical testing. Allele origin: germline. Affected: yes. Observed: 5 variant alleles.

NM_001298.3(CNGA3):c.1747G>A (p.Asp583Asn)

Gene: CNGA3 (cyclic nucleotide gated channel subunit alpha 3; plus strand). Cytogenetic location: 2q11.2.
Variant type: single nucleotide variant.
Coding change: c.1747G>A on transcript NM_001298.3 (MANE Select); coding-DNA position 1747, G replaced by A.
Protein change: p.Asp583Asn; replaces aspartic acid 583 with asparagine.
Molecular consequence: missense variant.
Genome position (GRCh38, 1-based): chr2:98,396,917, G>A. VCF-style: chr2-98396917-G-A. GRCh37 (hg19) VCF-style: chr2-99013380-G-A.
Other names: c.1747G>A (NM_001298.2); c.1693G>A, p.Asp565Asn (NM_001079878.2); short protein forms D565N, D583N.
Identifiers: ClinVar variation 1484517 (VCV001484517.9), dbSNP rs768458537, ClinGen allele CA52635990.
Genomic context (GRCh38, chr2:98,396,917, plus strand): 5'-CGCAGGACGGCCAACATCCGCAGCATTGGCTACTCAGACCTGTTCTGCCTCTCAAAGGAC[G>A]ATCTCATGGAGGCCCTCACCGAGTACCCCGAAGCCAAGAAGGCCCTGGAGGAGAAAGGAC-3'
Protein context (NP_001289.1, residues 573-593): YSDLFCLSKD[Asp583Asn]LMEALTEYPE